The following is an entry in ClinVar:

ClinVar aggregate classification (germline): Likely pathogenic (1 of 4 stars; one submission).

Conditions:
PCDH15-related disorder. Also called: PCDH15-related condition; PCDH15-related disorders.

Submission:

PreventionGenetics, part of Exact Sciences
Classification: Likely pathogenic for PCDH15-related condition. Last evaluated: 2023-01-26. Review status: criteria provided, single submitter. Criteria: ACMG Guidelines, 2015. Collection method: clinical testing. Allele origin: germline.
Comment: The PCDH15 c.22_23delinsC variant is predicted to result in a frameshift and premature protein termination (p.Trp8Argfs*4). To our knowledge, this variant has not been reported in the literature or in a large population database, indicating this variant is rare. Frameshift variants in PCDH15 are expected to be pathogenic. This variant is interpreted as likely pathogenic.

NM_001384140.1(PCDH15):c.22_23delinsC (p.Trp8fs)

Gene: PCDH15 (protocadherin related 15; minus strand). Cytogenetic location: 10q21.1.
Variant type: Indel.
Coding change: c.22_23delinsC on transcript NM_001384140.1 (MANE Select); coding-DNA positions 22 to 23, TG replaced by C.
Protein change: p.Trp8fs; shifts the reading frame from tryptophan 8.
Molecular consequence: frameshift variant.
Genome position (GRCh38, 1-based): chr10:54,664,240-54,664,241, CA replaced by G on the plus strand (TG replaced by C on the coding strand, the reverse complement: PCDH15 is on the minus strand). VCF-style: chr10-54664240-CA-G. GRCh37 (hg19) VCF-style: chr10-56424000-CA-G.
Other names: c.22_23delinsC, p.Trp8fs (NM_001142763.2, NM_001142764.2, NM_001142765.2 and 13 more transcripts); c.22_23delTGinsC, p.Trp8Argfs (NM_001142769.4); short protein forms W8fs.
Identifiers: ClinVar variation 2630310 (VCV002630310.1), dbSNP rs2549545616, ClinGen allele CA2695199493.